The following is an entry in ClinVar:

NM_207346.3(TSEN54):c.547C>T (p.Gln183Ter)

Gene: TSEN54 (tRNA splicing endonuclease subunit 54; plus strand). Cytogenetic location: 17q25.1.
Variant type: single nucleotide variant.
Coding change: c.547C>T on transcript NM_207346.3 (MANE Select); coding-DNA position 547, C replaced by T.
Protein change: p.Gln183Ter; replaces glutamine 183 with a stop codon.
Molecular consequence: nonsense.
Genome position (GRCh38, 1-based): chr17:75,521,434, C>T. VCF-style: chr17-75521434-C-T. GRCh37 (hg19) VCF-style: chr17-73517515-C-T.
Other names: short protein forms Q183*.
Identifiers: ClinVar variation 452246 (VCV000452246.5), dbSNP rs1555644470, ClinGen allele CA401028205.

ClinVar aggregate classification (germline): Pathogenic/Likely pathogenic. Review status: criteria provided, multiple submitters, no conflicts (2 of 4 stars). 2 submissions from 2 submitters: Pathogenic (1); Likely pathogenic (1). Last evaluated 2023-01-21.

Allele frequency attached by ClinVar (database versions not stated): gnomAD exomes below 0.00001.
gnomAD v4.1: 1 of 1,614,104 alleles (0.000062%); highest among the groups gnomAD compares: Non-Finnish European, 0.000085%; no homozygotes.

Submissions (2):

Labcorp Genetics (formerly Invitae), Labcorp
Classification: Pathogenic. Last evaluated: 2023-01-21. Review status: criteria provided, single submitter. Criteria: Invitae Variant Classification Sherloc (09022015). Collection method: clinical testing. Allele origin: germline.
Comment: For these reasons, this variant has been classified as Pathogenic. ClinVar contains an entry for this variant (Variation ID: 452246). This variant has not been reported in the literature in individuals affected with TSEN54-related conditions. This variant is not present in population databases (gnomAD no frequency). This sequence change creates a premature translational stop signal (p.Gln183*) in the TSEN54 gene. It is expected to result in an absent or disrupted protein product. Loss-of-function variants in TSEN54 are known to be pathogenic (PMID: 18711368, 20952379).

GeneDx
Classification: Likely pathogenic. Last evaluated: 2017-09-25. Review status: criteria provided, single submitter. Criteria: GeneDx Variant Classification (06012015). Collection method: clinical testing. Allele origin: germline. Affected: yes.
Comment: The Q183X variant in the TSEN54 gene has not been reported previously as a pathogenic variant nor as a benign variant, to our knowledge. This variant is predicted to cause loss of normal protein function either through protein truncation or nonsense-mediated mRNA decay. The Q183X variant is not observed in large population cohorts (Lek et al., 2016). We interpret Q183X as a likely pathogenic variant.

Literature cited by the submitters: PubMed 18711368 (cited by Labcorp Genetics (formerly Invitae), Labcorp); PubMed 20952379 (cited by Labcorp Genetics (formerly Invitae), Labcorp).